The following is an entry in ClinVar:

ClinVar aggregate classification (germline): Pathogenic (0 of 4 stars; one submission).

Conditions:
Childhood apraxia of speech (SPCH1). Also called: Speech language disorder; DEVELOPMENTAL VERBAL DYSPRAXIA; SPEECH AND LANGUAGE DISORDER WITH OROFACIAL DYSPRAXIA; FOXP2-Related Speech and Language Disorder. Identifiers: Orphanet 209908, MedGen C0750927, MONDO:0011184, OMIM 602081.

Submission:

GeneReviews
Classification: Pathogenic for Childhood apraxia of speech. Last evaluated: 2016-03-02. Review status: no assertion criteria provided. Collection method: literature only. Allele origin: germline. Affected: yes. Observed: 1 variant allele.
Comment: Speech: CAS Oromotor: Oromotor difficulties Language: Impaired expressive & receptive Cognition: Cognitive impairment

Literature cited by the submitters: PubMed 17033973.

7q31.2-q32, 13 Mb deletion

Gene: FOXP2 (forkhead box P2; plus strand). Cytogenetic location: 7q31.1.
Variant type: Deletion.
Identifiers: ClinVar variation 242966 (VCV000242966.1).